The following is an entry in ClinVar:

NM_005559.4(LAMA1):c.6801T>C (p.His2267=)

Gene: LAMA1 (laminin subunit alpha 1; minus strand). Cytogenetic location: 18p11.31.
Variant type: single nucleotide variant.
Coding change: c.6801T>C on transcript NM_005559.4 (MANE Select); coding-DNA position 6801, T replaced by C.
Protein change: p.His2267=; no amino-acid change (histidine 2267 retained).
Molecular consequence: synonymous variant.
Genome position (GRCh38, 1-based): chr18:6,971,955, A>G on the plus strand (T>C on the coding strand, the complement: LAMA1 is on the minus strand). VCF-style: chr18-6971955-A-G. GRCh37 (hg19) VCF-style: chr18-6971954-A-G.
Other names: c.6801T>C (NM_005559.3).
Identifiers: ClinVar variation 1533223 (VCV001533223.15), dbSNP rs200986684, ClinGen allele CA8881118.

ClinVar aggregate classification (germline): Benign/Likely benign. Review status: criteria provided, multiple submitters, no conflicts (2 of 4 stars). 4 submissions from 4 submitters: Benign (1); Likely benign (2). 1 of the submissions does not count toward it. Last evaluated 2026-03-01.

Conditions:
LAMA1-related disorder. Also called: LAMA1-related disorders; LAMA1-related condition.

Allele frequency attached by ClinVar (database versions not stated): ESP Exome Variant Server 0.00008; TOPMed 0.00012; 1000 Genomes Project 30x 0.00016; gnomAD exomes 0.00017 and 0.00029; 1000 Genomes Project 0.00020; gnomAD 0.00024 and 0.00027; ExAC 0.00034.

Submissions (4):

CeGaT Center for Human Genetics Tuebingen
Classification: Likely benign. Last evaluated: 2026-03-01. Review status: criteria provided, single submitter. Criteria: CeGaT Center For Human Genetics Tuebingen Variant Classification Criteria Version 2. Collection method: clinical testing. Allele origin: germline. Affected: yes. Observed: 1 variant allele.
Comment: LAMA1: BP4, BP7

Labcorp Genetics (formerly Invitae), Labcorp
Classification: Benign. Last evaluated: 2025-10-02. Review status: criteria provided, single submitter. Criteria: Invitae Variant Classification Sherloc (09022015). Collection method: clinical testing. Allele origin: germline.

Blueprint Genetics
Classification: Likely benign. Last evaluated: 2024-05-27. Review status: criteria provided, single submitter. Criteria: ACMG Guidelines, 2015. Collection method: clinical testing. Allele origin: germline.

PreventionGenetics, part of Exact Sciences
Classification: Likely benign for LAMA1-related condition. Last evaluated: 2019-02-20. Review status: no assertion criteria provided. Collection method: clinical testing. Allele origin: germline. Not counted in ClinVar's aggregate classification.
Comment: This variant is classified as likely benign based on ACMG/AMP sequence variant interpretation guidelines (Richards et al. 2015 PMID: 25741868, with internal and published modifications).